The following is an entry in ClinVar:

ClinVar aggregate classification (germline): Uncertain significance. Review status: criteria provided, multiple submitters, no conflicts (2 of 4 stars). 2 submissions from 2 submitters: Uncertain significance (2). Last evaluated 2025-12-03.

Allele frequency attached by ClinVar (database versions not stated): gnomAD exomes below 0.00001 and 0.00002; ExAC 0.00001; gnomAD 0.00001; TOPMed 0.00001; ESP Exome Variant Server 0.00008.
gnomAD v4.1: 3 of 1,520,046 alleles (0.0002%); highest among the groups gnomAD compares: African/African-American, 0.0028%; no homozygotes.

Submissions (2):

Women's Health and Genetics/Laboratory Corporation of America, LabCorp
Classification: Uncertain significance. Last evaluated: 2025-12-03. Review status: criteria provided, single submitter. Criteria: LabCorp Variant Classification Summary - May 2015. Collection method: clinical testing. Allele origin: germline.
Comment: Variant summary: TTN NM_133378 c.65029C>T (p.His21677Tyr), also known as NM_001267550 c.72733C>T (p.His24245Tyr), results in a conservative amino acid change located in the A-band region of the encoded protein sequence. Algorithms developed to predict the effect of missense changes on protein structure and function are either unavailable or do not agree on the potential impact of this missense change. The variant allele was found at a frequency of 1.7e-05 in 176562 control chromosomes. The available data on variant occurrences in the general population are insufficient to allow any conclusion about variant significance. To our knowledge, no occurrence of c.65029C>T in individuals affected with TTN-related conditions and no experimental evidence demonstrating its impact on protein function have been reported. ClinVar contains an entry for this variant (Variation ID: 1163225). Based on the evidence outlined above, the variant was classified as uncertain significance.

Mayo Clinic Laboratories, Mayo Clinic
Classification: Uncertain significance. Last evaluated: 2021-02-18. Review status: criteria provided, single submitter. Criteria: ACMG Guidelines, 2015. Collection method: clinical testing. Allele origin: germline. Observed: 1 variant allele.

NM_001267550.2(TTN):c.72733C>T (p.His24245Tyr)

Genes: TTN (titin; minus strand), TTN-AS1 (TTN antisense RNA 1; plus strand). Cytogenetic location: 2q31.2.
Variant type: single nucleotide variant.
Coding change: c.72733C>T on transcript NM_001267550.2 (MANE Select); coding-DNA position 72733, C replaced by T.
Protein change: p.His24245Tyr; replaces histidine 24245 with tyrosine.
Molecular consequence: missense variant.
Genome position (GRCh38, 1-based): chr2:178,573,399, G>A on the plus strand (C>T on the coding strand, the complement: TTN is on the minus strand). VCF-style: chr2-178573399-G-A. GRCh37 (hg19) VCF-style: chr2-179438126-G-A.
Other names: c.67810C>T, p.His22604Tyr (NM_001256850.1); c.45538C>T, p.His15180Tyr (NM_003319.4); c.65029C>T, p.His21677Tyr (NM_133378.4); c.45913C>T, p.His15305Tyr (NM_133432.3); c.46114C>T, p.His15372Tyr (NM_133437.4); short protein forms H15180Y, H15305Y, H15372Y, H21677Y, H22604Y, H24245Y.
Identifiers: ClinVar variation 1163225 (VCV001163225.6), dbSNP rs375467956, ClinGen allele CA1990461.